The following is an entry in ClinVar:

ClinVar aggregate classification (germline): Uncertain significance (1 of 4 stars; one submission).

Conditions:
DICER1-related tumor predisposition. Also called: DICER1 syndrome; DICER1-related pleuropulmonary blastoma cancer predisposition syndrome. Identifiers: Orphanet 284343, MedGen C3839822, MONDO:0100216.

Submission:

Labcorp Genetics (formerly Invitae), Labcorp
Classification: Uncertain significance for DICER1-related tumor predisposition. Last evaluated: 2023-07-03. Review status: criteria provided, single submitter. Criteria: Invitae Variant Classification Sherloc (09022015). Collection method: clinical testing. Allele origin: germline.
Comment: In summary, the available evidence is currently insufficient to determine the role of this variant in disease. Therefore, it has been classified as a Variant of Uncertain Significance. This sequence change replaces lysine, which is basic and polar, with arginine, which is basic and polar, at codon 862 of the DICER1 protein (p.Lys862Arg). This variant is not present in population databases (gnomAD no frequency). This variant has not been reported in the literature in individuals affected with DICER1-related conditions. Advanced modeling of protein sequence and biophysical properties (such as structural, functional, and spatial information, amino acid conservation, physicochemical variation, residue mobility, and thermodynamic stability) performed at Invitae indicates that this missense variant is not expected to disrupt DICER1 protein function.

NM_177438.3(DICER1):c.2585A>G (p.Lys862Arg)

Gene: DICER1 (dicer 1, ribonuclease III; minus strand). Cytogenetic location: 14q32.13.
Variant type: single nucleotide variant.
Coding change: c.2585A>G on transcript NM_177438.3 (MANE Select); coding-DNA position 2585, A replaced by G.
Protein change: p.Lys862Arg; replaces lysine 862 with arginine.
Molecular consequence: missense variant. On other transcripts: non-coding transcript variant (6).
Genome position (GRCh38, 1-based): chr14:95,107,945, T>C on the plus strand (A>G on the coding strand, the complement: DICER1 is on the minus strand). VCF-style: chr14-95107945-T-C. GRCh37 (hg19) VCF-style: chr14-95574282-T-C.
Other names: c.2585A>G, p.Lys862Arg (NM_001395682.1, NM_001395683.1, NM_001395684.1 and 13 more transcripts); c.2303A>G, p.Lys768Arg (NM_001395686.1); c.2180A>G, p.Lys727Arg (NM_001395687.1, NM_001395688.1, NM_001395689.1 and 2 more transcripts); c.2018A>G, p.Lys673Arg (NM_001395691.1); c.902A>G, p.Lys301Arg (NM_001395697.1); short protein forms K673R, K768R, K301R, K727R, K862R.
Identifiers: ClinVar variation 2734776 (VCV002734776.3), dbSNP rs2542839564, ClinGen allele CA390881534.